The following is an entry in ClinVar:

NM_052947.4(ALPK2):c.2581G>A (p.Glu861Lys)

Gene: ALPK2 (alpha kinase 2; minus strand). Cytogenetic location: 18q21.31.
Variant type: single nucleotide variant.
Coding change: c.2581G>A on transcript NM_052947.4 (MANE Select); coding-DNA position 2581, G replaced by A.
Protein change: p.Glu861Lys; replaces glutamic acid 861 with lysine.
Molecular consequence: missense variant.
Genome position (GRCh38, 1-based): chr18:58,537,606, C>T on the plus strand (G>A on the coding strand, the complement: ALPK2 is on the minus strand). VCF-style: chr18-58537606-C-T. GRCh37 (hg19) VCF-style: chr18-56204838-C-T.
Other names: short protein forms E861K.
Identifiers: ClinVar variation 1793383 (VCV001793383.2), dbSNP rs371849715, ClinGen allele CA402570224.

ClinVar aggregate classification (germline): Uncertain significance (1 of 4 stars; one submission).

gnomAD v4.1: 1 of 1,613,562 alleles (0.000062%); highest among the groups gnomAD compares: Non-Finnish European, 0.000085%; no homozygotes.

Submission:

Ambry Genetics
Classification: Uncertain significance. Last evaluated: 2022-07-04. Review status: criteria provided, single submitter. Criteria: Ambry Variant Classification Scheme 2023. Collection method: clinical testing. Allele origin: germline.
Comment: The p.E861K variant (also known as c.2581G>A), located in coding exon 4 of the ALPK2 gene, results from a G to A substitution at nucleotide position 2581. The glutamic acid at codon 861 is replaced by lysine, an amino acid with similar properties. This amino acid position is conserved. In addition, this alteration is predicted to be tolerated by in silico analysis. Since supporting evidence is limited at this time, the clinical significance of this alteration remains unclear.